The following is an entry in ClinVar:

ClinVar aggregate classification (germline): Uncertain significance (1 of 4 stars; one submission).

Conditions:
Cholestanol storage disease (CTX). Also called: Cerebrotendinous Xanthomatosis; CEREBRAL CHOLESTERINOSIS; CTX: Cerebrotendinous xanthomatosis. Identifiers: Orphanet 909, MedGen C0238052, MONDO:0008948, OMIM 213700.

Submission:

Labcorp Genetics (formerly Invitae), Labcorp
Classification: Uncertain significance for Cholestanol storage disease. Last evaluated: 2023-02-23. Review status: criteria provided, single submitter. Criteria: Invitae Variant Classification Sherloc (09022015). Collection method: clinical testing. Allele origin: germline.
Comment: This sequence change replaces lysine, which is basic and polar, with arginine, which is basic and polar, at codon 520 of the CYP27A1 protein (p.Lys520Arg). In summary, the available evidence is currently insufficient to determine the role of this variant in disease. Therefore, it has been classified as a Variant of Uncertain Significance. Advanced modeling of protein sequence and biophysical properties (such as structural, functional, and spatial information, amino acid conservation, physicochemical variation, residue mobility, and thermodynamic stability) performed at Invitae indicates that this missense variant is not expected to disrupt CYP27A1 protein function. This variant has not been reported in the literature in individuals affected with CYP27A1-related conditions. This variant is not present in population databases (gnomAD no frequency).

NM_000784.4(CYP27A1):c.1559A>G (p.Lys520Arg)

Gene: CYP27A1 (cytochrome P450 family 27 subfamily A member 1; plus strand). Cytogenetic location: 2q35.
Variant type: single nucleotide variant.
Coding change: c.1559A>G on transcript NM_000784.4 (MANE Select); coding-DNA position 1559, A replaced by G.
Protein change: p.Lys520Arg; replaces lysine 520 with arginine.
Molecular consequence: missense variant.
Genome position (GRCh38, 1-based): chr2:218,814,993, A>G. VCF-style: chr2-218814993-A-G. GRCh37 (hg19) VCF-style: chr2-219679716-A-G.
Other names: short protein forms K520R.
Identifiers: ClinVar variation 2884723 (VCV002884723.3), dbSNP rs1943774432, ClinGen allele CA350596670.